The following is an entry in ClinVar:

ClinVar aggregate classification (germline): Uncertain significance. Review status: criteria provided, multiple submitters, no conflicts (2 of 4 stars). 2 submissions from 2 submitters: Uncertain significance (2). Last evaluated 2025-02-05.

Conditions:
Inborn genetic diseases. Identifiers: MedGen C0950123, MeSH D030342.

Allele frequency attached by ClinVar (database versions not stated): TOPMed below 0.00001; gnomAD 0.00001; gnomAD exomes 0.00001; ExAC 0.00006; 1000 Genomes Project 0.00040.
gnomAD v4.1: 9 of 1,598,374 alleles (0.00056%); highest among the groups gnomAD compares: East Asian, 0.02%; no homozygotes.

Submissions (2):

Ambry Genetics
Classification: Uncertain significance for Inborn genetic diseases. Last evaluated: 2025-02-05. Review status: criteria provided, single submitter. Criteria: Ambry Variant Classification Scheme 2023. Collection method: clinical testing. Allele origin: germline.

Labcorp Genetics (formerly Invitae), Labcorp
Classification: Uncertain significance. Last evaluated: 2022-06-23. Review status: criteria provided, single submitter. Criteria: Invitae Variant Classification Sherloc (09022015). Collection method: clinical testing. Allele origin: germline.
Comment: Algorithms developed to predict the effect of missense changes on protein structure and function output the following: SIFT: "Tolerated"; PolyPhen-2: "Benign"; Align-GVGD: "Class C0". The valine amino acid residue is found in multiple mammalian species, which suggests that this missense change does not adversely affect protein function. In summary, the available evidence is currently insufficient to determine the role of this variant in disease. Therefore, it has been classified as a Variant of Uncertain Significance. This sequence change replaces alanine, which is neutral and non-polar, with valine, which is neutral and non-polar, at codon 198 of the MNX1 protein (p.Ala198Val). This variant is present in population databases (rs533644826, gnomAD 0.04%). This variant has not been reported in the literature in individuals affected with MNX1-related conditions.

NM_005515.4(MNX1):c.593C>T (p.Ala198Val)

Gene: MNX1 (motor neuron and pancreas homeobox 1; minus strand). Cytogenetic location: 7q36.3.
Variant type: single nucleotide variant.
Coding change: c.593C>T on transcript NM_005515.4 (MANE Select); coding-DNA position 593, C replaced by T.
Protein change: p.Ala198Val; replaces alanine 198 with valine.
Molecular consequence: missense variant.
Genome position (GRCh38, 1-based): chr7:157,009,758, G>A on the plus strand (C>T on the coding strand, the complement: MNX1 is on the minus strand). VCF-style: chr7-157009758-G-A. GRCh37 (hg19) VCF-style: chr7-156802452-G-A.
Other names: c.593C>T (NM_005515.3); short protein forms A198V.
Identifiers: ClinVar variation 1936150 (VCV001936150.6), dbSNP rs533644826, ClinGen allele CA4589268.